The following is an entry in ClinVar:

ClinVar aggregate classification (germline): Likely benign (0 of 4 stars; one submission).

Conditions:
ISL1-related disorder. Also called: ISL1-related condition.

gnomAD v4.1: 1 of 1,614,066 alleles (0.000062%); highest among the groups gnomAD compares: Non-Finnish European, 0.000085%; no homozygotes.

Submission:

PreventionGenetics, part of Exact Sciences
Classification: Likely benign for ISL1-related condition. Last evaluated: 2023-03-10. Review status: no assertion criteria provided. Collection method: clinical testing. Allele origin: germline.
Comment: This variant is classified as likely benign based on ACMG/AMP sequence variant interpretation guidelines (Richards et al. 2015 PMID: 25741868, with internal and published modifications).

NM_002202.3(ISL1):c.168T>C (p.Cys56=)

Gene: ISL1 (ISL LIM homeobox 1; plus strand). Cytogenetic location: 5q11.1.
Variant type: single nucleotide variant.
Coding change: c.168T>C on transcript NM_002202.3 (MANE Select); coding-DNA position 168, T replaced by C.
Protein change: p.Cys56=; no amino-acid change (cysteine 56 retained).
Molecular consequence: synonymous variant.
Genome position (GRCh38, 1-based): chr5:51,384,680, T>C. VCF-style: chr5-51384680-T-C. GRCh37 (hg19) VCF-style: chr5-50680514-T-C.
Identifiers: ClinVar variation 3356402 (VCV003356402.1).